The following is an entry in ClinVar:

NM_152732.5(RSPH9):c.761G>C (p.Arg254Pro)

Gene: RSPH9 (radial spoke head component 9; plus strand). Cytogenetic location: 6p21.1.
Variant type: single nucleotide variant.
Coding change: c.761G>C on transcript NM_152732.5 (MANE Select); coding-DNA position 761, G replaced by C.
Protein change: p.Arg254Pro; replaces arginine 254 with proline.
Molecular consequence: missense variant. On other transcripts: synonymous variant (2), non-coding transcript variant (2).
Genome position (GRCh38, 1-based): chr6:43,670,879, G>C. VCF-style: chr6-43670879-G-C. GRCh37 (hg19) VCF-style: chr6-43638616-G-C.
Other names: c.813G>C, p.Pro271= (NM_001193341.2); c.858G>C, p.Pro286= (NM_001424119.1); c.716G>C, p.Arg239Pro (NM_001424120.1); short protein forms R254P, R239P.
Identifiers: ClinVar variation 1759840 (VCV001759840.2), dbSNP rs768034790, ClinGen allele CA3828413.

ClinVar aggregate classification (germline): Uncertain significance (1 of 4 stars; one submission).

Conditions:
Primary ciliary dyskinesia. Also called: Ciliary dyskinesia. Identifiers: Orphanet 244, MedGen C0008780, MONDO:0016575, HP:0012265.

gnomAD v4.1: 24 of 1,614,048 alleles (0.0015%); highest among the groups gnomAD compares: Non-Finnish European, 0.0019%; no homozygotes.

Submission:

Ambry Genetics
Classification: Uncertain significance for Primary ciliary dyskinesia. Last evaluated: 2022-02-07. Review status: criteria provided, single submitter. Criteria: Ambry Variant Classification Scheme 2023. Collection method: clinical testing. Allele origin: germline.
Comment: The p.R254P variant (also known as c.761G>C), located in coding exon 5 of the RSPH9 gene, results from a G to C substitution at nucleotide position 761. The arginine at codon 254 is replaced by proline, an amino acid with dissimilar properties. This amino acid position is conserved. In addition, this alteration is predicted to be tolerated by in silico analysis. Since supporting evidence is limited at this time, the clinical significance of this alteration remains unclear.